The following is an entry in ClinVar:

ClinVar aggregate classification (germline): Uncertain significance (1 of 4 stars; one submission).

Conditions:
Hereditary cancer-predisposing syndrome. Also called: Neoplastic Syndromes, Hereditary; Tumor predisposition; Hereditary Cancer Syndrome; Hereditary neoplastic syndrome. Identifiers: Orphanet 140162, MedGen C0027672, MeSH D009386, MONDO:0015356.

Submission:

Ambry Genetics
Classification: Uncertain significance for Hereditary cancer-predisposing syndrome. Last evaluated: 2026-06-10. Review status: criteria provided, single submitter. Criteria: Ambry Variant Classification Scheme 2023. Collection method: clinical testing. Allele origin: germline.
Comment: The c.1246-23_1246-20delGCTTinsCTC intronic variant results from a deletion of 4 nucleotides and insertion of 3 nucleotides between positions 1246-23 and 1246-20 before coding exon 7 of the SMARCA4 gene. The nucleotide region involving this alteration is well conserved on limited sequence alignment. In silico splice site analysis predicts that this alteration may result in the creation or strengthening of a novel splice acceptor site. RNA studies have demonstrated that this variant results in a splice defect; the clinical impact of this abnormal splicing is unknown at this time (Ambry internal data). Based on the available evidence, the clinical significance of this variant remains unclear.

NM_003072.5(SMARCA4):c.1246-23_1246-20delinsCTC

Gene: SMARCA4 (SWI/SNF related BAF chromatin remodeling complex subunit ATPase 4; plus strand). Cytogenetic location: 19p13.2.
Variant type: Indel.
Coding change: c.1246-23_1246-20delinsCTC on transcript NM_003072.5 (MANE Select); 23 bases into the intron before coding-DNA position 1246 through 20 bases into the intron before coding-DNA position 1246, GCTT replaced by CTC.
Molecular consequence: intron variant.
Genome position (GRCh38, 1-based): chr19:10,991,127-10,991,130, GCTT replaced by CTC. VCF-style: chr19-10991127-GCTT-CTC. GRCh37 (hg19) VCF-style: chr19-11101803-GCTT-CTC.
Other names: c.1246-23_1246-20delinsCTC (NM_001128844.3, NM_001128849.3, NM_001128847.4 and 6 more transcripts).
Identifiers: ClinVar variation 4864803 (VCV004864803.1).